The following is an entry in ClinVar:

ClinVar aggregate classification (germline): Benign. Review status: criteria provided, multiple submitters, no conflicts (2 of 4 stars). 5 submissions from 5 submitters: Benign (5). Last evaluated 2026-02-04.

Conditions:
Kindler syndrome (KNDLRS). Also called: BULLOUS ACROKERATOTIC POIKILODERMA OF KINDLER AND WEARY; POIKILODERMA, CONGENITAL, WITH BULLAE, WEARY TYPE; POIKILODERMA, HEREDITARY ACROKERATOTIC; Hereditary acrokeratotic poikiloderma of Weary; Poikiloderma of Kindler; Congenital bullous poikiloderma. Identifiers: Orphanet 2908, Orphanet 306539, MedGen C0406557, MONDO:0008260, OMIM 173650.

Allele frequency attached by ClinVar (database versions not stated): 1000 Genomes Project 30x 0.04981; 1000 Genomes Project 0.05112; TOPMed 0.06162; gnomAD 0.06354 and 0.06363; ESP Exome Variant Server 0.06374; ExAC 0.07091; gnomAD exomes 0.07131.
gnomAD v4.1: 133,925 of 1,605,898 alleles (8.3%); highest among the groups gnomAD compares: Non-Finnish European, 9.3%; 6,148 homozygotes.

Submissions (5):

Labcorp Genetics (formerly Invitae), Labcorp
Classification: Benign. Last evaluated: 2026-02-04. Review status: criteria provided, single submitter. Criteria: Invitae Variant Classification Sherloc (09022015). Collection method: clinical testing. Allele origin: germline.

Mayo Clinic Laboratories, Mayo Clinic
Classification: Benign. Last evaluated: 2022-09-06. Review status: criteria provided, single submitter. Criteria: ACMG Guidelines, 2015. Collection method: clinical testing. Allele origin: germline. Observed: 26 variant alleles.

GeneDx
Classification: Benign. Last evaluated: 2021-05-04. Review status: criteria provided, single submitter. Criteria: GeneDx Variant Classification Process June 2021. Collection method: clinical testing. Allele origin: germline. Affected: yes.

Illumina Laboratory Services, Illumina
Classification: Benign for Kindler syndrome. Last evaluated: 2018-01-13. Review status: criteria provided, single submitter. Criteria: ICSL Variant Classification Criteria 13 December 2019. Collection method: clinical testing. Allele origin: germline.
Comment: This variant was observed in the ICSL laboratory as part of a predisposition screen in an ostensibly healthy population. It had not been previously curated by ICSL or reported in the Human Gene Mutation Database (HGMD: prior to June 1st, 2018), and was therefore a candidate for classification through an automated scoring system. Utilizing variant allele frequency, disease prevalence and penetrance estimates, and inheritance mode, an automated score was calculated to assess if this variant is too frequent to cause the disease. Based on the score and internal cut-off values, a variant classified as benign is not then subjected to further curation. The score for this variant resulted in a classification of benign for this disease.

Breakthrough Genomics
Classification: Benign. Review status: criteria provided, single submitter. Criteria: ACMG Guidelines, 2015. Collection method: not provided. Allele origin: germline. Inheritance: Autosomal recessive inheritance. Affected: yes.

NM_017671.5(FERMT1):c.763C>T (p.Arg255Cys)

Gene: FERMT1 (FERM domain containing kindlin 1; minus strand). Cytogenetic location: 20p12.3.
Variant type: single nucleotide variant.
Coding change: c.763C>T on transcript NM_017671.5 (MANE Select); coding-DNA position 763, C replaced by T.
Protein change: p.Arg255Cys; replaces arginine 255 with cysteine.
Molecular consequence: missense variant.
Genome position (GRCh38, 1-based): chr20:6,107,618, G>A on the plus strand (C>T on the coding strand, the complement: FERMT1 is on the minus strand). VCF-style: chr20-6107618-G-A. GRCh37 (hg19) VCF-style: chr20-6088265-G-A.
Other names: p.Arg255Cys; short protein forms R255C.
Identifiers: ClinVar variation 339224 (VCV000339224.17), dbSNP rs62200482, ClinGen allele CA9758360.